The following is an entry in ClinVar:

NM_000489.6(ATRX):c.5417T>A (p.Ile1806Asn)

Gene: ATRX (ATRX chromatin remodeler; minus strand). Cytogenetic location: Xq21.1.
Variant type: single nucleotide variant.
Coding change: c.5417T>A on transcript NM_000489.6 (MANE Select); coding-DNA position 5417, T replaced by A.
Protein change: p.Ile1806Asn; replaces isoleucine 1806 with asparagine.
Molecular consequence: missense variant.
Genome position (GRCh38, 1-based): chrX:77,618,837, A>T on the plus strand (T>A on the coding strand, the complement: ATRX is on the minus strand). VCF-style: chrX-77618837-A-T. GRCh37 (hg19) VCF-style: chrX-76874305-A-T.
Other names: c.5303T>A, p.Ile1768Asn (NM_138270.5); short protein forms I1768N, I1806N.
Identifiers: ClinVar variation 4530221 (VCV004530221.1).
Genomic context (GRCh38, chrX:77,618,837, plus strand): 5'-TATTTTATTACTATGGAACATATTTGTACCTGAACACATCCAGCTAACATCTCATAGAGA[A>T]TGTGAGCACGTTTTTTCATCACTCTGACATCTACCATGGTAGAATCTGCACACTGACCAT-3'
Protein context (NP_000480.3, residues 1796-1816): DVRVMKKRAH[Ile1806Asn]LYEMLAGCVQ

ClinVar aggregate classification (somatic clinical impact): Tier II - Potential (1 of 4 stars; one submission).

Conditions:
Diffuse midline glioma, H3 K27M-mutant. Identifiers: MedGen C4289688, MONDO:0957196.

Submission:

Institute for Genomic Medicine (IGM) Clinical Laboratory, Nationwide Children's Hospital
Classification: Tier II - Potential for Diffuse midline glioma, H3 K27M-mutant. Assertion type: diagnostic. Clinical significance: supports diagnosis. Last evaluated: 2023-11-14. Review status: criteria provided, single submitter. Criteria: AMP/ASCO/CAP Guidelines, 2017. Collection method: clinical testing. Allele origin: somatic. Affected: yes.
Comment: Variant has Tier II (potential) clinical significance as a diagnostic inclusion criterion in diffuse midline glioma, H3 K27M-mutant, based on the following evidence: 1) Appears in one or more well-established professional guidelines (e.g., World Health Organization [WHO]; National Comprehensive Cancer Network [NCCN]) as providing diagnostic, prognostic, or therapeutic information. 2) Diagnostic significance based on multiple small studies (Evidence Level C; PMIDs: 24705251, 28966033, 22661320, 25230881, 26517431).

Literature cited by the submitters: PubMed 24705251; PubMed 28966033; PubMed 22661320; PubMed 25230881; PubMed 26517431.